The following is an entry in ClinVar:

ClinVar aggregate classification (germline): Likely benign. Review status: criteria provided, multiple submitters, no conflicts (2 of 4 stars). 5 submissions from 5 submitters: Likely benign (4). 1 of the submissions does not count toward it. Last evaluated 2025-12-22.

Conditions:
TTN-related disorder. Also called: TTN-related disorders; TTN-related condition; TTN-related disease.
Cardiovascular phenotype. Identifiers: MedGen CN230736.
Autosomal recessive limb-girdle muscular dystrophy type 2J (LGMDR10). Also called: Limb-girdle muscular dystrophy, type 2J; MUSCULAR DYSTROPHY, LIMB-GIRDLE, AUTOSOMAL RECESSIVE 10. Identifiers: Orphanet 140922, MedGen C1837342, MONDO:0012127, OMIM 608807.
Dilated cardiomyopathy 1G (CMD1G). Identifiers: Orphanet 154, MedGen C1858763, MONDO:0011400, OMIM 604145.

Allele frequency attached by ClinVar (database versions not stated): gnomAD exomes below 0.00001; TOPMed below 0.00001; ExAC 0.00001; gnomAD 0.00001.
gnomAD v4.1: 4 of 1,613,548 alleles (0.00025%); highest among the groups gnomAD compares: Admixed American, 0.0017%; no homozygotes.

Submissions (5):

Labcorp Genetics (formerly Invitae), Labcorp
Classification: Likely benign for Dilated cardiomyopathy 1G; Autosomal recessive limb-girdle muscular dystrophy type 2J. Last evaluated: 2025-12-22. Review status: criteria provided, single submitter. Criteria: Invitae Variant Classification Sherloc (09022015). Collection method: clinical testing. Allele origin: germline.

Blueprint Genetics
Classification: Likely benign. Last evaluated: 2024-01-24. Review status: criteria provided, single submitter. Criteria: ACMG Guidelines, 2015. Collection method: clinical testing. Allele origin: germline.

Ambry Genetics
Classification: Likely benign for Cardiovascular phenotype. Last evaluated: 2024-01-01. Review status: criteria provided, single submitter. Criteria: Ambry Variant Classification Scheme 2023. Collection method: clinical testing. Allele origin: germline.

Laboratory for Molecular Medicine, Mass General Brigham Personalized Medicine
Classification: Likely benign. Last evaluated: 2015-02-16. Review status: criteria provided, single submitter. Criteria: LMM Criteria. Collection method: clinical testing. Allele origin: germline. Observed: 1 variant allele.
Comment: p.Gly3596Gly in exon 45B of TTN: This variant is not expected to have clinical s ignificance because it does not alter an amino acid residue and is not located w ithin the splice consensus sequence. It has been identified in 1/16496 South Asi an chromosomes by the Exome Aggregation Consortium (ExAC).

PreventionGenetics, part of Exact Sciences
Classification: Likely benign for TTN-related condition. Last evaluated: 2019-11-26. Review status: no assertion criteria provided. Collection method: clinical testing. Allele origin: germline. Not counted in ClinVar's aggregate classification.
Comment: This variant is classified as likely benign based on ACMG/AMP sequence variant interpretation guidelines (Richards et al. 2015 PMID: 25741868, with internal and published modifications).

NM_001267550.2(TTN):c.11502G>A (p.Gly3834=)

Gene: TTN (titin; minus strand). Cytogenetic location: 2q31.2.
Variant type: single nucleotide variant.
Coding change: c.11502G>A on transcript NM_001267550.2 (MANE Select); coding-DNA position 11502, G replaced by A.
Protein change: p.Gly3834=; no amino-acid change (glycine 3834 retained).
Molecular consequence: synonymous variant. On other transcripts: intron variant (1).
Genome position (GRCh38, 1-based): chr2:178,741,731, C>T on the plus strand (G>A on the coding strand, the complement: TTN is on the minus strand). VCF-style: chr2-178741731-C-T. GRCh37 (hg19) VCF-style: chr2-179606458-C-T.
Other names: c.10788G>A, p.Gly3596= (NM_133432.3); c.10551G>A, p.Gly3517= (NM_001256850.1); c.10413G>A, p.Gly3471= (NM_003319.4); c.10989G>A, p.Gly3663= (NM_133437.4); c.10361-3371G>A (NM_133378.4).
Identifiers: ClinVar variation 228188 (VCV000228188.18), dbSNP rs777420658, ClinGen allele CA2002846.